The following is an entry in ClinVar:

NM_005609.4(PYGM):c.1196G>A (p.Arg399Gln)

Gene: PYGM (glycogen phosphorylase, muscle associated; minus strand). Cytogenetic location: 11q13.1.
Variant type: single nucleotide variant.
Coding change: c.1196G>A on transcript NM_005609.4 (MANE Select); coding-DNA position 1196, G replaced by A.
Protein change: p.Arg399Gln; replaces arginine 399 with glutamine.
Molecular consequence: missense variant.
Genome position (GRCh38, 1-based): chr11:64,753,922, C>T on the plus strand (G>A on the coding strand, the complement: PYGM is on the minus strand). VCF-style: chr11-64753922-C-T. GRCh37 (hg19) VCF-style: chr11-64521394-C-T.
Other names: c.932G>A, p.Arg311Gln (NM_001164716.1); short protein forms R399Q, R311Q.
Identifiers: ClinVar variation 305275 (VCV000305275.9), dbSNP rs548646628, ClinGen allele CA6079972.

ClinVar aggregate classification (germline): Uncertain significance. Review status: criteria provided, multiple submitters, no conflicts (2 of 4 stars). 3 submissions from 3 submitters: Uncertain significance (3). Last evaluated 2025-11-10.

Conditions:
Glycogen storage disease, type V (GSD5). Also called: MCARDLE DISEASE; MUSCLE GLYCOGEN PHOSPHORYLASE DEFICIENCY; MYOPHOSPHORYLASE DEFICIENCY; PYGM DEFICIENCY; McArdle type glycogen storage disease. Identifiers: Orphanet 368, MedGen C0017924, MONDO:0009293, OMIM 232600.

Allele frequency attached by ClinVar (database versions not stated): gnomAD 0.00001 and 0.00002; TOPMed 0.00001; gnomAD exomes 0.00003 and 0.00004; ExAC 0.00008; 1000 Genomes Project 0.00020; 1000 Genomes Project 30x 0.00031.
gnomAD v4.1: 51 of 1,593,062 alleles (0.0032%); highest among the groups gnomAD compares: Admixed American, 0.012%; no homozygotes.

Submissions (3):

Labcorp Genetics (formerly Invitae), Labcorp
Classification: Uncertain significance for Glycogen storage disease, type V. Last evaluated: 2025-11-10. Review status: criteria provided, single submitter. Criteria: Invitae Variant Classification Sherloc (09022015). Collection method: clinical testing. Allele origin: germline.
Comment: This sequence change replaces arginine with glutamine at codon 399 of the PYGM protein (p.Arg399Gln). The arginine residue is highly conserved and there is a small physicochemical difference between arginine and glutamine. This variant is present in population databases (rs548646628, gnomAD 0.01%). This variant has not been reported in the literature in individuals affected with PYGM-related conditions. ClinVar contains an entry for this variant (Variation ID: 305275). Invitae Evidence Modeling of protein sequence and biophysical properties (such as structural, functional, and spatial information, amino acid conservation, physicochemical variation, residue mobility, and thermodynamic stability) indicates that this missense variant is expected to disrupt PYGM protein function with a positive predictive value of 95%. In summary, the available evidence is currently insufficient to determine the role of this variant in disease. Therefore, it has been classified as a Variant of Uncertain Significance.

Revvity Omics, Revvity
Classification: Uncertain significance for Glycogen storage disease, type V. Last evaluated: 2022-11-28. Review status: criteria provided, single submitter. Criteria: ACMG Guidelines, 2015. Collection method: clinical testing. Allele origin: germline.

Illumina Laboratory Services, Illumina
Classification: Uncertain significance for Glycogen storage disease, type V. Last evaluated: 2018-01-12. Review status: criteria provided, single submitter. Criteria: ICSL Variant Classification Criteria 13 December 2019. Collection method: clinical testing. Allele origin: germline.